The following is an entry in ClinVar:

ClinVar aggregate classification (germline): Uncertain significance (1 of 4 stars; one submission).

Conditions:
Primary ciliary dyskinesia. Also called: Ciliary dyskinesia. Identifiers: Orphanet 244, MedGen C0008780, MONDO:0016575, HP:0012265.

Allele frequency attached by ClinVar (database versions not stated): gnomAD 0.00001.
gnomAD v4.1: 1 of 1,582,486 alleles (0.000063%); highest among the groups gnomAD compares: African/African-American, 0.0014%; no homozygotes.

Submission:

Labcorp Genetics (formerly Invitae), Labcorp
Classification: Uncertain significance for Primary ciliary dyskinesia. Last evaluated: 2019-01-10. Review status: criteria provided, single submitter. Criteria: Invitae Variant Classification Sherloc (09022015). Collection method: clinical testing. Allele origin: germline.
Comment: This sequence change replaces glutamine with arginine at codon 861 of the DNAH8 protein (p.Gln861Arg). The glutamine residue is moderately conserved and there is a small physicochemical difference between glutamine and arginine. In summary, this is a novel missense change with uncertain impact on protein function. It has been classified as a Variant of Uncertain Significance. Algorithms developed to predict the effect of missense changes on protein structure and function do not agree on the potential impact of this missense change (SIFT: "deleterious"; Align-GVGD: "Class C0"). This variant is not present in population databases (ExAC no frequency) and has not been reported in the literature.

NM_001206927.2(DNAH8):c.2582A>G (p.Gln861Arg)

Gene: DNAH8 (dynein axonemal heavy chain 8; plus strand). Cytogenetic location: 6p21.2.
Variant type: single nucleotide variant.
Coding change: c.2582A>G on transcript NM_001206927.2 (MANE Select); coding-DNA position 2582, A replaced by G.
Protein change: p.Gln861Arg; replaces glutamine 861 with arginine.
Molecular consequence: missense variant.
Genome position (GRCh38, 1-based): chr6:38,786,951, A>G. VCF-style: chr6-38786951-A-G. GRCh37 (hg19) VCF-style: chr6-38754727-A-G.
Other names: c.1931A>G, p.Gln644Arg (NM_001371.4); short protein forms Q644R, Q861R.
Identifiers: ClinVar variation 844533 (VCV000844533.8), dbSNP rs1769214990, ClinGen allele CA363990493.
Genomic context (GRCh38, chr6:38,786,951, plus strand): 5'-AACAGGCAAAGAGATTGCTAAAATTGGAAAGTAAATTGAAAGCAGACAAACTGTATTTGC[A>G]GGTAAGATAGATTATGTTTTCTAATTATTTTTGAAGGAGTTTTTTGGTAAAAAAAATATG-3'
Protein context (NP_001193856.1, residues 851-871): SKLKADKLYL[Gln861Arg]GLLQYYDELC